The following is an entry in ClinVar:

NM_001350162.2(TEX15):c.5857C>G (p.Leu1953Val)

Gene: TEX15 (testis expressed 15, meiosis and synapsis associated; minus strand). Cytogenetic location: 8p12.
Variant type: single nucleotide variant.
Coding change: c.5857C>G on transcript NM_001350162.2 (MANE Select); coding-DNA position 5857, C replaced by G.
Protein change: p.Leu1953Val; replaces leucine 1953 with valine.
Molecular consequence: missense variant.
Genome position (GRCh38, 1-based): chr8:30,844,310, G>C on the plus strand (C>G on the coding strand, the complement: TEX15 is on the minus strand). VCF-style: chr8-30844310-G-C. GRCh37 (hg19) VCF-style: chr8-30701826-G-C.
Other names: c.4708C>G, p.Leu1570Val (NM_031271.3); short protein forms L1570V, L1953V.
Identifiers: ClinVar variation 3043376 (VCV003043376.2), dbSNP rs151160591, ClinGen allele CA4702768.

ClinVar aggregate classification (germline): Likely benign (0 of 4 stars; one submission).

Conditions:
TEX15-related disorder. Also called: TEX15-related condition.

Allele frequency attached by ClinVar (database versions not stated): 1000 Genomes Project 0.00100; 1000 Genomes Project 30x 0.00109; TOPMed 0.00114; ESP Exome Variant Server 0.00115.
gnomAD v4.1: 281 of 1,613,348 alleles (0.017%); highest among the groups gnomAD compares: African/African-American, 0.25%; no homozygotes.

Submission:

PreventionGenetics, part of Exact Sciences
Classification: Likely benign for TEX15-related condition. Last evaluated: 2022-02-08. Review status: no assertion criteria provided. Collection method: clinical testing. Allele origin: germline.
Comment: This variant is classified as likely benign based on ACMG/AMP sequence variant interpretation guidelines (Richards et al. 2015 PMID: 25741868, with internal and published modifications).